The following is an entry in ClinVar:

NM_000540.3(RYR1):c.532T>C (p.Tyr178His)

Gene: RYR1 (ryanodine receptor 1; plus strand). Cytogenetic location: 19q13.2.
Variant type: single nucleotide variant.
Coding change: c.532T>C on transcript NM_000540.3 (MANE Select); coding-DNA position 532, T replaced by C.
Protein change: p.Tyr178His; replaces tyrosine 178 with histidine.
Molecular consequence: missense variant.
Genome position (GRCh38, 1-based): chr19:38,444,256, T>C. VCF-style: chr19-38444256-T-C. GRCh37 (hg19) VCF-style: chr19-38934896-T-C.
Other names: c.532T>C, p.Tyr178His (NM_001042723.2); short protein forms Y178H.
Identifiers: ClinVar variation 565366 (VCV000565366.10), dbSNP rs1568436105, ClinGen allele CA405677108.
Genomic context (GRCh38, chr19:38,444,256, plus strand): 5'-GAAGGAGAAAAGGTCCGCGTTGGGGATGACATCATCCTTGTCAGTGTCTCCTCCGAGCGC[T>C]ACCTGGTGAGCCATTGCGGTTCCTCCTGCTCCCAGGTCTGGGGGCGCATGGGATGGTCCC-3'
Protein context (NP_000531.2, residues 168-188): IILVSVSSER[Tyr178His]LHLSTASGEL

ClinVar aggregate classification (germline): Uncertain significance (1 of 4 stars; one submission).

Conditions:
RYR1-related disorder. Also called: RYR1-related disorders; RYR1-related condition. Identifiers: MedGen CN239331.

Allele frequency attached by ClinVar (database versions not stated): gnomAD exomes 0.00001.
gnomAD v4.1: 7 of 1,612,662 alleles (0.00043%); highest among the groups gnomAD compares: Non-Finnish European, 0.00059%; no homozygotes.

Submission:

Labcorp Genetics (formerly Invitae), Labcorp
Classification: Uncertain significance for RYR1-related disorder. Last evaluated: 2023-07-26. Review status: criteria provided, single submitter. Criteria: Invitae Variant Classification Sherloc (09022015). Collection method: clinical testing. Allele origin: germline.
Comment: Advanced modeling of protein sequence and biophysical properties (such as structural, functional, and spatial information, amino acid conservation, physicochemical variation, residue mobility, and thermodynamic stability) performed at Invitae indicates that this missense variant is expected to disrupt RYR1 protein function. In summary, the available evidence is currently insufficient to determine the role of this variant in disease. Therefore, it has been classified as a Variant of Uncertain Significance. ClinVar contains an entry for this variant (Variation ID: 565366). This sequence change replaces tyrosine, which is neutral and polar, with histidine, which is basic and polar, at codon 178 of the RYR1 protein (p.Tyr178His). This variant is not present in population databases (gnomAD no frequency). This variant has not been reported in the literature in individuals affected with RYR1-related conditions.